The following is an entry in ClinVar:

ClinVar aggregate classification (germline): Pathogenic (0 of 4 stars; one submission).

Submission:

Quest Diagnostics Nichols Institute San Juan Capistrano
Classification: Pathogenic. Last evaluated: 2020-10-14. Review status: no assertion criteria provided. Collection method: clinical testing. Allele origin: germline.
Comment: This deletion interval involves the 5' portion of NRXN1 (OMIM *600565) gene. Biallelic variation of NRXN1 can cause autosomal recessive Pitt-Hopkins-like syndrome-2 (OMIM 614325). Additionally, heterozygous deletion of NRXN1 has been reported in patients with a wide spectrum of developmental and neuropsychiatric disorders, including intellectual disability, autism spectrum disorders, hypotonia and epilepsy, and disorders of speech and verbal expression. While some deletions occurred de novo/segregated with disease in families, others were inherited from asymptomatic parents, suggesting reduced penetrance and variable expressivity (see list of references at bottom). Despite this, and the occurrence of NRXN1 deletions in the general populations of the Database of Genomic Variants, a recent study suggests partial deletions near the 5' end (like the one identified here) have a higher penetrance for expression of neurodevelopmental phenotypes compared to those at the 3' end (Lowther et al. Genet Med. 2017 Jan;19(1):53-61. PMID: 27195815). Thus, the clinical significance of this copy number variant (CNV) is pathogenic.

GRCh37/hg19 2p16.3(chr2:51193858-51433041)x1

Gene: NRXN1 (neurexin 1; minus strand). Cytogenetic location: 2p16.3.
Variant type: copy number loss.
Change: copy number 1 (one copy instead of two) of chr2:51,193,858-51,433,041 (239.2 kb, GRCh37 coordinates, 1-based), cytogenetic band 2p16.3.
Identifiers: ClinVar variation 1341137 (VCV001341137.1).